The following is an entry in ClinVar:

NM_025099.6(CTC1):c.3079G>A (p.Ala1027Thr)

Gene: CTC1 (CST telomere replication complex component 1; minus strand). Cytogenetic location: 17p13.1.
Variant type: single nucleotide variant.
Coding change: c.3079G>A on transcript NM_025099.6 (MANE Select); coding-DNA position 3079, G replaced by A.
Protein change: p.Ala1027Thr; replaces alanine 1027 with threonine.
Molecular consequence: missense variant. On other transcripts: non-coding transcript variant (1).
Genome position (GRCh38, 1-based): chr17:8,229,379, C>T on the plus strand (G>A on the coding strand, the complement: CTC1 is on the minus strand). VCF-style: chr17-8229379-C-T. GRCh37 (hg19) VCF-style: chr17-8132697-C-T.
Other names: short protein forms A1027T.
Identifiers: ClinVar variation 948801 (VCV000948801.11), dbSNP rs374126761, ClinGen allele CA8371888.

ClinVar aggregate classification (germline): Conflicting classifications of pathogenicity. Review status: criteria provided, conflicting classifications (1 of 4 stars). 3 submissions from 3 submitters: Uncertain significance (1); Likely benign (2). Last evaluated 2025-10-27.

Conditions:
Dyskeratosis congenita. Identifiers: Orphanet 1775, MedGen C0265965, MONDO:0015780.

Allele frequency attached by ClinVar (database versions not stated): gnomAD exomes 0.00005; ExAC 0.00007; TOPMed 0.00023; gnomAD 0.00025 and 0.00027; ESP Exome Variant Server 0.00032.
gnomAD v4.1: 67 of 1,614,158 alleles (0.0042%); highest among the groups gnomAD compares: African/African-American, 0.088%; no homozygotes.

Submissions (3):

Labcorp Genetics (formerly Invitae), Labcorp
Classification: Likely benign for Dyskeratosis congenita. Last evaluated: 2025-10-27. Review status: criteria provided, single submitter. Criteria: Invitae Variant Classification Sherloc (09022015). Collection method: clinical testing. Allele origin: germline.

GeneDx
Classification: Uncertain significance. Last evaluated: 2025-08-12. Review status: criteria provided, single submitter. Criteria: GeneDx Variant Classification Process June 2021. Collection method: clinical testing. Allele origin: germline. Affected: yes.
Comment: In silico analysis suggests that this missense variant does not alter protein structure/function; Has not been previously published as pathogenic or benign to our knowledge; This variant is associated with the following publications: (PMID: 28050010)

Blueprint Genetics
Classification: Likely benign. Last evaluated: 2023-04-25. Review status: criteria provided, single submitter. Criteria: ACMG Guidelines, 2015. Collection method: clinical testing. Allele origin: germline.